The following is an entry in ClinVar:

ClinVar aggregate classification (germline): Likely pathogenic (1 of 4 stars; one submission).

Conditions:
Ellis-van Creveld syndrome (EVC). Also called: MESOECTODERMAL DYSPLASIA; Chondroectodermal dysplasia. Identifiers: Orphanet 289, MedGen C0013903, MONDO:0009162, OMIM 225500.

Submission:

3billion
Classification: Likely pathogenic for Ellis-van Creveld syndrome. Last evaluated: 2025-12-22. Review status: criteria provided, single submitter. Criteria: ACMG Guidelines, 2015. Collection method: clinical testing. Allele origin: germline. Affected: yes.
Comment: The variant is not observed in the gnomAD v4.1.0 dataset. Predicted Consequence/Location: Stop-gained (nonsense): predicted to result in a loss or disruption of normal protein function through nonsense-mediated decay (NMD) or protein truncation. Multiple pathogenic variants are reported downstream of the variant. Therefore, this variant is classified as Likely pathogenic according to the recommendation of ACMG/AMP guideline.

NM_153717.3(EVC):c.166C>T (p.Arg56Ter)

Gene: EVC (EvC ciliary complex subunit 1; plus strand). Cytogenetic location: 4p16.2.
Variant type: single nucleotide variant.
Coding change: c.166C>T on transcript NM_153717.3 (MANE Select); coding-DNA position 166, C replaced by T.
Protein change: p.Arg56Ter; replaces arginine 56 with a stop codon.
Molecular consequence: nonsense.
Genome position (GRCh38, 1-based): chr4:5,711,546, C>T. VCF-style: chr4-5711546-C-T. GRCh37 (hg19) VCF-style: chr4-5713273-C-T.
Other names: c.166C>T, p.Arg56Ter (NM_001306090.2, NM_001306092.2); short protein forms R56*.
Identifiers: ClinVar variation 4854553 (VCV004854553.1).
Genomic context (GRCh38, chr4:5,711,546, plus strand): 5'-GCCGCGCTCGGCCTCGGCCTCGGCCTTTGGCTTGGCTGCCGCGCGGGCCGCCAGCGCACG[C>T]GACACCAGGTGGGTCGGCCGAGCAGACAGCGGCGGGGCGGGGAGCGCGGGGCGCGTGGCT-3'